The following is an entry in ClinVar:

ClinVar aggregate classification (germline): Uncertain significance (1 of 4 stars; one submission).

Conditions:
Intellectual developmental disorder, autosomal dominant 39. Also called: Mental retardation, autosomal dominant 39; Intellectual disability, autosomal dominant 39. Identifiers: MedGen C4225296, MONDO:0014678, OMIM 616521.

Submission:

3billion
Classification: Uncertain significance for Intellectual developmental disorder, autosomal dominant 39. Last evaluated: 2023-11-16. Review status: criteria provided, single submitter. Criteria: ACMG Guidelines, 2015. Collection method: clinical testing. Allele origin: germline. Affected: yes.
Comment: The variant is not observed in the gnomAD v2.1.1 dataset. Predicted Consequence/Location: Missense variant In silico tool predictions suggest damaging effect of the variant on gene or gene product [3Cnet: 0.69 (>=0.6, sensitivity 0.72 and precision 0.9)]. Therefore, this variant is classified as VUS according to the recommendation of ACMG/AMP guideline.

NM_001303052.2(MYT1L):c.1940A>T (p.Glu647Val)

Gene: MYT1L (myelin transcription factor 1 like; minus strand). Cytogenetic location: 2p25.3.
Variant type: single nucleotide variant.
Coding change: c.1940A>T on transcript NM_001303052.2 (MANE Select); coding-DNA position 1940, A replaced by T.
Protein change: p.Glu647Val; replaces glutamic acid 647 with valine.
Molecular consequence: missense variant.
Genome position (GRCh38, 1-based): chr2:1,903,172, T>A on the plus strand (A>T on the coding strand, the complement: MYT1L is on the minus strand). VCF-style: chr2-1903172-T-A. GRCh37 (hg19) VCF-style: chr2-1906944-T-A.
Other names: c.1940A>T, p.Glu647Val (NM_001329844.2, NM_001329845.1, NM_001329851.3); c.1934A>T, p.Glu645Val (NM_001329846.3, NM_001329847.2, NM_001329848.1 and 3 more transcripts); short protein forms E645V, E647V.
Identifiers: ClinVar variation 3775738 (VCV003775738.1).